The following is an entry in ClinVar:

NM_000257.4(MYH7):c.704C>A (p.Thr235Asn)

Gene: MYH7 (myosin heavy chain 7; minus strand). Cytogenetic location: 14q11.2.
Variant type: single nucleotide variant.
Coding change: c.704C>A on transcript NM_000257.4 (MANE Select); coding-DNA position 704, C replaced by A.
Protein change: p.Thr235Asn; replaces threonine 235 with asparagine.
Molecular consequence: missense variant.
Genome position (GRCh38, 1-based): chr14:23,431,613, G>T on the plus strand (C>A on the coding strand, the complement: MYH7 is on the minus strand). VCF-style: chr14-23431613-G-T. GRCh37 (hg19) VCF-style: chr14-23900822-G-T.
Other names: short protein forms T235N.
Identifiers: ClinVar variation 928852 (VCV000928852.1), dbSNP rs1892944195, ClinGen allele CA389052220.

ClinVar aggregate classification (germline): Uncertain significance (1 of 4 stars; one submission).

Submission:

Women's Health and Genetics/Laboratory Corporation of America, LabCorp
Classification: Uncertain significance. Last evaluated: 2019-10-29. Review status: criteria provided, single submitter. Criteria: LabCorp Variant Classification Summary - May 2015. Collection method: clinical testing. Allele origin: germline.
Comment: Variant summary: MYH7 c.704C>A (p.Thr235Asn) results in a non-conservative amino acid change located in the Myosin head, motor domain of the encoded protein sequence. Five of five in-silico tools predict a damaging effect of the variant on protein function. The variant was absent in 251492 control chromosomes (gnomAD). The available data on variant occurrences in the general population are insufficient to allow any conclusion about variant significance. c.704C>A has been reported in the literature in an individual affected with Cardiomyopathy (Wang_2014). This report does not provide an unequivocal conclusion about association of the variant with Cardiomyopathy. To our knowledge, no experimental evidence demonstrating an impact on protein function has been reported. No clinical diagnostic laboratories have submitted clinical-significance assessments for this variant to ClinVar after 2014. Based on the evidence outlined above, the variant was classified as uncertain significance.

Literature cited by the submitters: PubMed 25132132; PubMed 30275503.